The following is an entry in ClinVar:

NM_000465.4(BARD1):c.740C>G (p.Ser247Cys)

Gene: BARD1 (BRCA1 associated RING domain 1; minus strand). Cytogenetic location: 2q35.
Variant type: single nucleotide variant.
Coding change: c.740C>G on transcript NM_000465.4 (MANE Select); coding-DNA position 740, C replaced by G.
Protein change: p.Ser247Cys; replaces serine 247 with cysteine.
Molecular consequence: missense variant. On other transcripts: non-coding transcript variant (2), intron variant (3).
Genome position (GRCh38, 1-based): chr2:214,781,134, G>C on the plus strand (C>G on the coding strand, the complement: BARD1 is on the minus strand). VCF-style: chr2-214781134-G-C. GRCh37 (hg19) VCF-style: chr2-215645858-G-C.
Other names: c.683C>G, p.Ser228Cys (NM_001282543.2); c.158+28278C>G (NM_001282548.2); c.215+15927C>G (NM_001282545.2); c.364+11163C>G (NM_001282549.2); c.740C>G (NM_000465.2); short protein forms S247C, S228C.
Identifiers: ClinVar variation 861695 (VCV000861695.3), dbSNP rs1694997334, ClinGen allele CA350456114.

ClinVar aggregate classification (germline): Uncertain significance. Review status: criteria provided, multiple submitters, no conflicts (2 of 4 stars). 2 submissions from 2 submitters: Uncertain significance (2). Last evaluated 2026-07-07.

Conditions:
Familial cancer of breast. Also called: Hereditary breast cancer; hereditary breast carcinoma; BREAST CANCER, FAMILIAL. Identifiers: Orphanet 227535, MedGen C0346153, MONDO:0016419, OMIM 114480. Disease mechanism: loss of function.
Hereditary cancer-predisposing syndrome. Also called: Tumor predisposition; Hereditary neoplastic syndrome; Neoplastic Syndromes, Hereditary; Hereditary Cancer Syndrome. Identifiers: Orphanet 140162, MedGen C0027672, MeSH D009386, MONDO:0015356.

Submissions (2):

Ambry Genetics
Classification: Uncertain significance for Hereditary cancer-predisposing syndrome. Last evaluated: 2026-07-07. Review status: criteria provided, single submitter. Criteria: Ambry Variant Classification Scheme 2023. Collection method: clinical testing. Allele origin: germline.
Comment: The p.S247C variant (also known as c.740C>G), located in coding exon 4 of the BARD1 gene, results from a C to G substitution at nucleotide position 740. The serine at codon 247 is replaced by cysteine, an amino acid with dissimilar properties. This amino acid position is conserved. In addition, this alteration is predicted to be tolerated by in silico analysis. Based on the available evidence, the clinical significance of this variant remains unclear.

Labcorp Genetics (formerly Invitae), Labcorp
Classification: Uncertain significance for Hereditary Breast Carcinoma. Last evaluated: 2019-11-25. Review status: criteria provided, single submitter. Criteria: Invitae Variant Classification Sherloc (09022015). Collection method: clinical testing. Allele origin: germline.
Comment: This sequence change replaces serine with cysteine at codon 247 of the BARD1 protein (p.Ser247Cys). The serine residue is moderately conserved and there is a moderate physicochemical difference between serine and cysteine. This variant is not present in population databases (ExAC no frequency). This variant has not been reported in the literature in individuals with BARD1-related conditions. Algorithms developed to predict the effect of missense changes on protein structure and function are either unavailable or do not agree on the potential impact of this missense change (SIFT: "Tolerated"; PolyPhen-2: "Possibly Damaging"; Align-GVGD: "Class C0"). In summary, the available evidence is currently insufficient to determine the role of this variant in disease. Therefore, it has been classified as a Variant of Uncertain Significance.